The following is an entry in ClinVar:

NM_199420.4(POLQ):c.2566C>A (p.Arg856Ser)

Gene: POLQ (DNA polymerase theta; minus strand). Cytogenetic location: 3q13.33.
Variant type: single nucleotide variant.
Coding change: c.2566C>A on transcript NM_199420.4 (MANE Select); coding-DNA position 2566, C replaced by A.
Protein change: p.Arg856Ser; replaces arginine 856 with serine.
Molecular consequence: missense variant.
Genome position (GRCh38, 1-based): chr3:121,490,365, G>T on the plus strand (C>A on the coding strand, the complement: POLQ is on the minus strand). VCF-style: chr3-121490365-G-T. GRCh37 (hg19) VCF-style: chr3-121209212-G-T.
Other names: short protein forms R856S.
Identifiers: ClinVar variation 1793171 (VCV001793171.2), dbSNP rs200486636, ClinGen allele CA354105864.

ClinVar aggregate classification (germline): Uncertain significance (1 of 4 stars; one submission).

gnomAD v4.1: 2 of 1,614,212 alleles (0.00012%); highest among the groups gnomAD compares: Non-Finnish European, 0.00017%; no homozygotes.

Submission:

Ambry Genetics
Classification: Uncertain significance. Last evaluated: 2021-07-26. Review status: criteria provided, single submitter. Criteria: Ambry Variant Classification Scheme 2023. Collection method: clinical testing. Allele origin: germline.
Comment: The p.R856S variant (also known as c.2566C>A), located in coding exon 16 of the POLQ gene, results from a C to A substitution at nucleotide position 2566. The arginine at codon 856 is replaced by serine, an amino acid with dissimilar properties. This amino acid position is conserved. In addition, the in silico prediction for this alteration is inconclusive. Since supporting evidence is limited at this time, the clinical significance of this alteration remains unclear.